The following is an entry in ClinVar:

NM_152703.5(SAMD9L):c.449A>T (p.His150Leu)

Gene: SAMD9L (sterile alpha motif domain containing 9 like; minus strand). Cytogenetic location: 7q21.2.
Variant type: single nucleotide variant.
Coding change: c.449A>T on transcript NM_152703.5 (MANE Select); coding-DNA position 449, A replaced by T.
Protein change: p.His150Leu; replaces histidine 150 with leucine.
Molecular consequence: missense variant.
Genome position (GRCh38, 1-based): chr7:93,135,523, T>A on the plus strand (A>T on the coding strand, the complement: SAMD9L is on the minus strand). VCF-style: chr7-93135523-T-A. GRCh37 (hg19) VCF-style: chr7-92764836-T-A.
Other names: c.449A>T, p.His150Leu (NM_001303496.3, NM_001303497.3, NM_001303498.3 and 5 more transcripts); short protein forms H150L.
Identifiers: ClinVar variation 4159374 (VCV004159374.1).

ClinVar aggregate classification (germline): Uncertain significance (1 of 4 stars; one submission).

Conditions:
Inborn genetic diseases. Identifiers: MedGen C0950123, MeSH D030342.

Submission:

Ambry Genetics
Classification: Uncertain significance for Inborn genetic diseases. Last evaluated: 2025-08-02. Review status: criteria provided, single submitter. Criteria: Ambry Variant Classification Scheme 2023. Collection method: clinical testing. Allele origin: germline.
Comment: The p.H150L variant (also known as c.449A>T), located in coding exon 1 of the SAMD9L gene, results from an A to T substitution at nucleotide position 449. The histidine at codon 150 is replaced by leucine, an amino acid with similar properties. This amino acid position is conserved. In addition, this alteration is predicted to be tolerated by in silico analysis. Based on the available evidence, the clinical significance of this variant remains unclear.